The following is an entry in ClinVar:

NM_002335.4(LRP5):c.1319T>C (p.Ile440Thr)

Gene: LRP5 (LDL receptor related protein 5; plus strand). Cytogenetic location: 11q13.2.
Variant type: single nucleotide variant.
Coding change: c.1319T>C on transcript NM_002335.4 (MANE Select); coding-DNA position 1319, T replaced by C.
Protein change: p.Ile440Thr; replaces isoleucine 440 with threonine.
Molecular consequence: missense variant. On other transcripts: 5 prime UTR variant (1).
Genome position (GRCh38, 1-based): chr11:68,386,619, T>C. VCF-style: chr11-68386619-T-C. GRCh37 (hg19) VCF-style: chr11-68154087-T-C.
Other names: c.-447T>C (NM_001291902.2); short protein forms I440T.
Identifiers: ClinVar variation 2844255 (VCV002844255.3), dbSNP rs2496599801, ClinGen allele CA381612698.

ClinVar aggregate classification (germline): Uncertain significance (1 of 4 stars; one submission).

Allele frequency attached by ClinVar (database versions not stated): gnomAD exomes below 0.00001.
gnomAD v4.1: 2 of 1,613,402 alleles (0.00012%); highest among the groups gnomAD compares: Non-Finnish European, 0.00017%; no homozygotes.

Submission:

Labcorp Genetics (formerly Invitae), Labcorp
Classification: Uncertain significance. Last evaluated: 2023-03-17. Review status: criteria provided, single submitter. Criteria: Invitae Variant Classification Sherloc (09022015). Collection method: clinical testing. Allele origin: germline.
Comment: In summary, the available evidence is currently insufficient to determine the role of this variant in disease. Therefore, it has been classified as a Variant of Uncertain Significance. Advanced modeling of protein sequence and biophysical properties (such as structural, functional, and spatial information, amino acid conservation, physicochemical variation, residue mobility, and thermodynamic stability) performed at Invitae indicates that this missense variant is expected to disrupt LRP5 protein function. This variant has not been reported in the literature in individuals affected with LRP5-related conditions. This variant is not present in population databases (gnomAD no frequency). This sequence change replaces isoleucine, which is neutral and non-polar, with threonine, which is neutral and polar, at codon 440 of the LRP5 protein (p.Ile440Thr).